The following is an entry in ClinVar:

ClinVar aggregate classification (germline): Uncertain significance. Review status: criteria provided, multiple submitters, no conflicts (2 of 4 stars). 2 submissions from 2 submitters: Uncertain significance (2). Last evaluated 2026-08-31.

Conditions:
Cystic fibrosis (CF). Also called: MUCOVISCIDOSIS. Identifiers: Orphanet 586, MedGen C0010674, MONDO:0009061, OMIM 219700. Disease mechanism: loss of function.

Submissions (2):

Ambry Genetics
Classification: Uncertain significance for Cystic fibrosis. Last evaluated: 2026-08-31. Review status: criteria provided, single submitter. Criteria: Ambry Variant Classification Scheme 2023. Collection method: clinical testing. Allele origin: germline.
Comment: The p.F640L variant (also known as c.1920T>G), located in coding exon 14 of the CFTR gene, results from a T to G substitution at nucleotide position 1920. The phenylalanine at codon 640 is replaced by leucine, an amino acid with highly similar properties. This amino acid position is highly conserved in available vertebrate species. In addition, this alteration is predicted to be deleterious by in silico analysis. Based on the available evidence, the clinical significance of this variant remains unclear.

Labcorp Genetics (formerly Invitae), Labcorp
Classification: Uncertain significance for Cystic fibrosis. Last evaluated: 2022-06-28. Review status: criteria provided, single submitter. Criteria: Invitae Variant Classification Sherloc (09022015). Collection method: clinical testing. Allele origin: germline.
Comment: In summary, the available evidence is currently insufficient to determine the role of this variant in disease. Therefore, it has been classified as a Variant of Uncertain Significance. Algorithms developed to predict the effect of missense changes on protein structure and function (SIFT, PolyPhen-2, Align-GVGD) all suggest that this variant is likely to be tolerated. This variant has not been reported in the literature in individuals affected with CFTR-related conditions. This variant is not present in population databases (gnomAD no frequency). This sequence change replaces phenylalanine, which is neutral and non-polar, with leucine, which is neutral and non-polar, at codon 640 of the CFTR protein (p.Phe640Leu).

NM_000492.4(CFTR):c.1920T>G (p.Phe640Leu)

Gene: CFTR (CF transmembrane conductance regulator; plus strand). Cytogenetic location: 7q31.2.
Variant type: single nucleotide variant.
Coding change: c.1920T>G on transcript NM_000492.4 (MANE Select); coding-DNA position 1920, T replaced by G.
Protein change: p.Phe640Leu; replaces phenylalanine 640 with leucine.
Molecular consequence: missense variant.
Genome position (GRCh38, 1-based): chr7:117,592,087, T>G. VCF-style: chr7-117592087-T-G. GRCh37 (hg19) VCF-style: chr7-117232141-T-G.
Other names: short protein forms F640L.
Identifiers: ClinVar variation 2083506 (VCV002083506.5), dbSNP rs145877746, ClinGen allele CA368978811.